The following is an entry in ClinVar:

NM_000092.5(COL4A4):c.3688G>T (p.Gly1230Cys)

Gene: COL4A4 (collagen type IV alpha 4 chain; minus strand). Cytogenetic location: 2q36.3.
Variant type: single nucleotide variant.
Coding change: c.3688G>T on transcript NM_000092.5 (MANE Select); coding-DNA position 3688, G replaced by T.
Protein change: p.Gly1230Cys; replaces glycine 1230 with cysteine.
Molecular consequence: missense variant.
Genome position (GRCh38, 1-based): chr2:227,032,166, C>A on the plus strand (G>T on the coding strand, the complement: COL4A4 is on the minus strand). VCF-style: chr2-227032166-C-A. GRCh37 (hg19) VCF-style: chr2-227896882-C-A.
Other names: short protein forms G1230C.
Identifiers: ClinVar variation 974376 (VCV000974376.2), dbSNP rs781360383, ClinGen allele CA350837755.

ClinVar aggregate classification (germline): Likely pathogenic. Review status: criteria provided, multiple submitters, no conflicts (2 of 4 stars). 2 submissions from 2 submitters: Likely pathogenic (2). Last evaluated 2025-06-02.

Conditions:
Alport syndrome. Also called: Hemorrhagic familial nephritis; Hemorrhagic hereditary nephritis; Congenital hereditary hematuria. Identifiers: Orphanet 63, MedGen C1567741, MONDO:0018965.
Autosomal recessive Alport syndrome (ATS2). Also called: COL4A3-Related Nephropathy; ALPORT SYNDROME 2, AUTOSOMAL RECESSIVE; Alport syndrome type 2; COL4A4 Alport Syndrome and Thin Basement Membrane Nephropathy. Identifiers: Orphanet 63, Orphanet 88919, MedGen C4746745, MONDO:0008762, OMIM 203780.

Submissions (2):

Myriad Genetics, Inc.
Classification: Likely pathogenic for Alport syndrome. Last evaluated: 2025-06-02. Review status: criteria provided, single submitter. Criteria: Myriad Autosomal Dominant, Autosomal Recessive and X-Linked Classification Criteria (2023). Collection method: clinical testing. Allele origin: unknown.
Comment: NM_000092.4(COL4A4):c.3688G>T(G1230C) is a missense variant classified as likely pathogenic in the context of Alport syndrome, COL4A4-related. G1230C has been observed in a case with relevant disease (PMID: 33532864). Relevant functional assessments of this variant are not available in the literature. Internal structural analysis of the variant is supportive of pathogenicity. G1230C has not been observed in referenced population frequency databases. In summary, NM_000092.4(COL4A4):c.3688G>T(G1230C) is a missense variant that has internal structural support for pathogenicity and has been observed more frequently in cases with the relevant disease than in healthy populations. Please note: this variant was assessed in the context of healthy population screening.

Molecular Biology Laboratory, Fundació Puigvert
Classification: Likely pathogenic for Autosomal recessive Alport syndrome. Last evaluated: 2020-02-01. Review status: criteria provided, single submitter. Criteria: ACMG Guidelines, 2015. Collection method: research. Allele origin: paternal. Affected: yes. Study: KidneyPanel_2020.

Literature cited by the submitters: PubMed 33532864 (cited by Myriad Genetics, Inc. and Molecular Biology Laboratory, Fundació Puigvert).